The following is an entry in ClinVar:

ClinVar aggregate classification (germline): Uncertain significance (1 of 4 stars; one submission).

Submission:

Athena Diagnostics
Classification: Uncertain significance. Last evaluated: 2023-08-24. Review status: criteria provided, single submitter. Criteria: Athena Diagnostics Criteria. Collection method: clinical testing. Allele origin: unknown.
Comment: Available data are insufficient to determine the clinical significance of the variant at this time. This variant has not been reported in large, multi-ethnic general populations. Computational tools disagree on the variant's effect on normal protein function.

NM_002047.4(GARS1):c.1812C>A (p.Phe604Leu)

Gene: GARS1 (glycyl-tRNA synthetase 1; plus strand). Cytogenetic location: 7p14.3.
Variant type: single nucleotide variant.
Coding change: c.1812C>A on transcript NM_002047.4 (MANE Select); coding-DNA position 1812, C replaced by A.
Protein change: p.Phe604Leu; replaces phenylalanine 604 with leucine.
Molecular consequence: missense variant.
Genome position (GRCh38, 1-based): chr7:30,631,450, C>A. VCF-style: chr7-30631450-C-A. GRCh37 (hg19) VCF-style: chr7-30671066-C-A.
Other names: c.1650C>A, p.Phe550Leu (NM_001316772.1); short protein forms F550L, F604L.
Identifiers: ClinVar variation 2684200 (VCV002684200.1), dbSNP rs2534335833, ClinGen allele CA367129866.